The following is an entry in ClinVar:

ClinVar aggregate classification (germline): Uncertain significance (1 of 4 stars; one submission).

Allele frequency attached by ClinVar (database versions not stated): gnomAD exomes below 0.00001.
gnomAD v4.1: 2 of 1,613,806 alleles (0.00012%); highest among the groups gnomAD compares: East Asian, 0.0022%; no homozygotes.

Submission:

Labcorp Genetics (formerly Invitae), Labcorp
Classification: Uncertain significance. Last evaluated: 2025-03-03. Review status: criteria provided, single submitter. Criteria: Invitae Variant Classification Sherloc (09022015). Collection method: clinical testing. Allele origin: germline.
Comment: This sequence change replaces proline, which is neutral and non-polar, with serine, which is neutral and polar, at codon 707 of the CARMIL2 protein (p.Pro707Ser). This variant is not present in population databases (gnomAD no frequency). This variant has not been reported in the literature in individuals affected with CARMIL2-related conditions. ClinVar contains an entry for this variant (Variation ID: 2097886). Invitae Evidence Modeling of protein sequence and biophysical properties (such as structural, functional, and spatial information, amino acid conservation, physicochemical variation, residue mobility, and thermodynamic stability) indicates that this missense variant is not expected to disrupt CARMIL2 protein function with a negative predictive value of 80%. In summary, the available evidence is currently insufficient to determine the role of this variant in disease. Therefore, it has been classified as a Variant of Uncertain Significance.

NM_001013838.3(CARMIL2):c.2119C>T (p.Pro707Ser)

Gene: CARMIL2 (capping protein regulator and myosin 1 linker 2; plus strand). Cytogenetic location: 16q22.1.
Variant type: single nucleotide variant.
Coding change: c.2119C>T on transcript NM_001013838.3 (MANE Select); coding-DNA position 2119, C replaced by T.
Protein change: p.Pro707Ser; replaces proline 707 with serine.
Molecular consequence: missense variant.
Genome position (GRCh38, 1-based): chr16:67,650,085, C>T. VCF-style: chr16-67650085-C-T. GRCh37 (hg19) VCF-style: chr16-67683988-C-T.
Other names: c.2011C>T, p.Pro671Ser (NM_001317026.3); short protein forms P671S, P707S.
Identifiers: ClinVar variation 2097886 (VCV002097886.2), dbSNP rs1294837500, ClinGen allele CA396340241.
Genomic context (GRCh38, chr16:67,650,085, plus strand): 5'-TTTCTCAATACCCCTTGCCCCTAGATCCAAGCCTGTCTCTTGAGGAACAACCGCGCAGAC[C>T]CTGCCTCTTCTGACCACACGACCCGCCTTCAGCCACTTGGTCTGGTCTCAGACCCCTCAG-3'
Protein context (NP_001013860.1, residues 697-717): ACLLRNNRAD[Pro707Ser]ASSDHTTRLQ